The following is an entry in ClinVar:

NM_001429.4(EP300):c.1528+7T>C

Gene: EP300 (EP300 lysine acetyltransferase; plus strand). Cytogenetic location: 22q13.2.
Variant type: single nucleotide variant.
Coding change: c.1528+7T>C on transcript NM_001429.4 (MANE Select); 7 bases into the intron after coding-DNA position 1528, T replaced by C.
Molecular consequence: intron variant.
Genome position (GRCh38, 1-based): chr22:41,131,640, T>C. VCF-style: chr22-41131640-T-C. GRCh37 (hg19) VCF-style: chr22-41527644-T-C.
Other names: c.1528+7T>C (NM_001362843.2).
Identifiers: ClinVar variation 4978635 (VCV004978635.1).

ClinVar aggregate classification (germline): Likely benign (1 of 4 stars; one submission).

Conditions:
EP300-related disorder. Also called: EP300-related condition; EP300-related disorders.

Submission:

PreventionGenetics, part of Exact Sciences
Classification: Likely benign for EP300-related condition. Last evaluated: 2025-04-11. Review status: criteria provided, single submitter. Criteria: ACMG Guidelines, 2015. Collection method: clinical testing. Allele origin: germline.
Comment: This variant is classified as likely benign based on ACMG/AMP sequence variant interpretation guidelines (Richards et al. 2015 PMID: 25741868, with internal and published modifications).